The following is an entry in ClinVar:

ClinVar aggregate classification (germline): Uncertain significance. Review status: criteria provided, multiple submitters, no conflicts (2 of 4 stars). 2 submissions from 2 submitters: Uncertain significance (2). Last evaluated 2025-07-03.

Conditions:
Hereditary cancer-predisposing syndrome. Also called: Neoplastic Syndromes, Hereditary; Tumor predisposition; Hereditary Cancer Syndrome; Hereditary neoplastic syndrome. Identifiers: Orphanet 140162, MedGen C0027672, MeSH D009386, MONDO:0015356.
Familial cancer of breast. Also called: Hereditary breast cancer; BREAST CANCER, FAMILIAL; hereditary breast carcinoma. Identifiers: Orphanet 227535, MedGen C0346153, MONDO:0016419, OMIM 114480. Disease mechanism: loss of function.

Submissions (2):

Ambry Genetics
Classification: Uncertain significance for Hereditary cancer-predisposing syndrome. Last evaluated: 2025-07-03. Review status: criteria provided, single submitter. Criteria: Ambry Variant Classification Scheme 2023. Collection method: clinical testing. Allele origin: germline.
Comment: The p.L24W variant (also known as c.71T>G), located in coding exon 2 of the PALB2 gene, results from a T to G substitution at nucleotide position 71. The leucine at codon 24 is replaced by tryptophan, an amino acid with similar properties. This amino acid position is highly conserved in available vertebrate species. In addition, the in silico prediction for this alteration is inconclusive. Based on the available evidence, the clinical significance of this variant remains unclear.

Labcorp Genetics (formerly Invitae), Labcorp
Classification: Uncertain significance for Familial cancer of breast. Last evaluated: 2024-11-26. Review status: criteria provided, single submitter. Criteria: Invitae Variant Classification Sherloc (09022015). Collection method: clinical testing. Allele origin: germline.
Comment: This sequence change replaces leucine, which is neutral and non-polar, with tryptophan, which is neutral and slightly polar, at codon 24 of the PALB2 protein (p.Leu24Trp). This variant is not present in population databases (gnomAD no frequency). This variant has not been reported in the literature in individuals affected with PALB2-related conditions. ClinVar contains an entry for this variant (Variation ID: 1757662). An algorithm developed to predict the effect of missense changes on protein structure and function (PolyPhen-2) suggests that this variant is likely to be disruptive. In summary, the available evidence is currently insufficient to determine the role of this variant in disease. Therefore, it has been classified as a Variant of Uncertain Significance.

NM_024675.4(PALB2):c.71T>G (p.Leu24Trp)

Gene: PALB2 (partner and localizer of BRCA2; minus strand). Cytogenetic location: 16p12.2.
Variant type: single nucleotide variant.
Coding change: c.71T>G on transcript NM_024675.4 (MANE Select); coding-DNA position 71, T replaced by G.
Protein change: p.Leu24Trp; replaces leucine 24 with tryptophan.
Molecular consequence: missense variant.
Genome position (GRCh38, 1-based): chr16:23,638,107, A>C on the plus strand (T>G on the coding strand, the complement: PALB2 is on the minus strand). VCF-style: chr16-23638107-A-C. GRCh37 (hg19) VCF-style: chr16-23649428-A-C.
Other names: c.71T>G, p.Leu24Trp (NM_001407297.1, NM_001407298.1, NM_001407299.1 and 3 more transcripts); c.-815T>G (NM_001407304.1, NM_001407305.1, NM_001407306.1 and 5 more transcripts); short protein forms L24W.
Identifiers: ClinVar variation 1757662 (VCV001757662.8), dbSNP rs876658653, ClinGen allele CA395139834.